The following is an entry in ClinVar:

NM_199420.4(POLQ):c.1088A>G (p.Asn363Ser)

Gene: POLQ (DNA polymerase theta; minus strand). Cytogenetic location: 3q13.33.
Variant type: single nucleotide variant.
Coding change: c.1088A>G on transcript NM_199420.4 (MANE Select); coding-DNA position 1088, A replaced by G.
Protein change: p.Asn363Ser; replaces asparagine 363 with serine.
Molecular consequence: missense variant.
Genome position (GRCh38, 1-based): chr3:121,529,665, T>C on the plus strand (A>G on the coding strand, the complement: POLQ is on the minus strand). VCF-style: chr3-121529665-T-C. GRCh37 (hg19) VCF-style: chr3-121248512-T-C.
Other names: short protein forms N363S.
Identifiers: ClinVar variation 1788139 (VCV001788139.2), dbSNP rs2546816950, ClinGen allele CA354124268.

ClinVar aggregate classification (germline): Uncertain significance (1 of 4 stars; one submission).

Submission:

Ambry Genetics
Classification: Uncertain significance. Last evaluated: 2022-04-08. Review status: criteria provided, single submitter. Criteria: Ambry Variant Classification Scheme 2023. Collection method: clinical testing. Allele origin: germline.
Comment: The p.N363S variant (also known as c.1088A>G), located in coding exon 7 of the POLQ gene, results from an A to G substitution at nucleotide position 1088. The asparagine at codon 363 is replaced by serine, an amino acid with highly similar properties. This amino acid position is conserved. In addition, this alteration is predicted to be tolerated by in silico analysis. Since supporting evidence is limited at this time, the clinical significance of this alteration remains unclear.